The following is an entry in ClinVar:

NM_001048174.2(MUTYH):c.705-3T>C

Gene: MUTYH (mutY DNA glycosylase; minus strand). Cytogenetic location: 1p34.1.
Variant type: single nucleotide variant.
Coding change: c.705-3T>C on transcript NM_001048174.2 (MANE Select); 3 bases into the intron before coding-DNA position 705, T replaced by C.
Molecular consequence: intron variant.
Genome position (GRCh38, 1-based): chr1:45,332,313, A>G on the plus strand (T>C on the coding strand, the complement: MUTYH is on the minus strand). VCF-style: chr1-45332313-A-G. GRCh37 (hg19) VCF-style: chr1-45797985-A-G.
Other names: c.705-3T>C (NM_001407072.1, NM_001407073.1, NM_001048171.2 and 6 more transcripts); c.360-3T>C (NM_001350651.2, NM_001350650.2, NM_001407082.1); c.429-3T>C (NM_001293192.2, NM_001293196.2, NM_001407091.1); c.750-3T>C (NM_001293190.2); c.738-3T>C (NM_001407069.1, NM_001407077.1, NM_001293191.2); c.780-3T>C (NM_012222.3); c.789-3T>C (NM_001128425.2); c.708-3T>C (NM_001407071.1, NM_001048172.2, NM_001407078.1 and 1 more transcripts); and 5 more.
Identifiers: ClinVar variation 2850848 (VCV002850848.4), dbSNP rs2524094861, ClinGen allele CA2739272358.

ClinVar aggregate classification (germline): Conflicting classifications of pathogenicity. Review status: criteria provided, conflicting classifications (1 of 4 stars). 2 submissions from 2 submitters: Uncertain significance (1); Likely benign (1). Last evaluated 2024-07-23.

Conditions:
Familial adenomatous polyposis 2. Also called: COLORECTAL ADENOMATOUS POLYPOSIS, AUTOSOMAL RECESSIVE; ADENOMAS, MULTIPLE COLORECTAL, AUTOSOMAL RECESSIVE; MUTYH-associated polyposis; Adenomas, multiple colorectal; MUTYH-related attenuated familial adenomatous polyposis; FAP type 2. Identifiers: Orphanet 220460, Orphanet 247798, MedGen C3272841, MONDO:0012041, OMIM 608456.

Submissions (2):

Blueprint Genetics
Classification: Likely benign. Last evaluated: 2024-07-23. Review status: criteria provided, single submitter. Criteria: ACMG Guidelines, 2015. Collection method: clinical testing. Allele origin: germline.

Labcorp Genetics (formerly Invitae), Labcorp
Classification: Uncertain significance for Familial adenomatous polyposis 2. Last evaluated: 2023-03-30. Review status: criteria provided, single submitter. Criteria: Invitae Variant Classification Sherloc (09022015). Collection method: clinical testing. Allele origin: germline.
Comment: This sequence change falls in intron 9 of the MUTYH gene. It does not directly change the encoded amino acid sequence of the MUTYH protein. It affects a nucleotide within the consensus splice site. This variant is not present in population databases (gnomAD no frequency). This variant has not been reported in the literature in individuals affected with MUTYH-related conditions. Variants that disrupt the consensus splice site are a relatively common cause of aberrant splicing (PMID: 17576681, 9536098). Algorithms developed to predict the effect of sequence changes on RNA splicing suggest that this variant is not likely to affect RNA splicing. In summary, the available evidence is currently insufficient to determine the role of this variant in disease. Therefore, it has been classified as a Variant of Uncertain Significance.

Literature cited by the submitters: PubMed 17576681 (cited by Labcorp Genetics (formerly Invitae), Labcorp); PubMed 9536098 (cited by Labcorp Genetics (formerly Invitae), Labcorp).